The following is an entry in ClinVar:

ClinVar aggregate classification (germline): Uncertain significance (1 of 4 stars; one submission).

Submission:

GeneDx
Classification: Uncertain significance. Last evaluated: 2026-03-07. Review status: criteria provided, single submitter. Criteria: GeneDx Variant Classification Process June 2021. Collection method: clinical testing. Allele origin: germline.
Comment: Not observed at significant frequency in large population cohorts (gnomAD); In silico analysis supports that this missense variant has a deleterious effect on protein structure/function; Has not been previously published as pathogenic or benign to our knowledge

NM_001379403.1(WDR26):c.1136G>T (p.Arg379Leu)

Gene: WDR26 (WD repeat domain 26; minus strand). Cytogenetic location: 1q42.12.
Variant type: single nucleotide variant.
Coding change: c.1136G>T on transcript NM_001379403.1 (MANE Select); coding-DNA position 1136, G replaced by T.
Protein change: p.Arg379Leu; replaces arginine 379 with leucine.
Molecular consequence: missense variant.
Genome position (GRCh38, 1-based): chr1:224,419,544, C>A on the plus strand (G>T on the coding strand, the complement: WDR26 is on the minus strand). VCF-style: chr1-224419544-C-A. GRCh37 (hg19) VCF-style: chr1-224607246-C-A.
Other names: c.788G>T, p.Arg263Leu (NM_001115113.3); c.836G>T, p.Arg279Leu (NM_025160.7); short protein forms R279L, R379L, R263L.
Identifiers: ClinVar variation 5008756 (VCV005008756.1).